The following is an entry in ClinVar:

NM_000540.3(RYR1):c.11141+7A>G

Gene: RYR1 (ryanodine receptor 1; plus strand). Cytogenetic location: 19q13.2.
Variant type: single nucleotide variant.
Coding change: c.11141+7A>G on transcript NM_000540.3 (MANE Select); 7 bases into the intron after coding-DNA position 11141, A replaced by G.
Molecular consequence: intron variant.
Genome position (GRCh38, 1-based): chr19:38,529,064, A>G. VCF-style: chr19-38529064-A-G. GRCh37 (hg19) VCF-style: chr19-39019704-A-G.
Other names: c.11126+7A>G (NM_001042723.2).
Identifiers: ClinVar variation 159829 (VCV000159829.29), dbSNP rs78350770, ClinGen allele CA023889.
Genomic context (GRCh38, chr19:38,529,064, plus strand): 5'-CCCCCTGCACCAGTTGGTCCTGCACTTCAGCCGCACTGCCCTGACGGAAAAGAGGTGAAG[A>G]CTCTTGCCAGGGCCCCAGAAATGCCCCCAAGGTCCTGGGGCCACCCCCAGCCCAGCAGCT-3'

ClinVar aggregate classification (germline): Benign/Likely benign. Review status: criteria provided, multiple submitters, no conflicts (2 of 4 stars). 11 submissions from 9 submitters: Benign (10); Likely benign (1). Last evaluated 2026-02-03.

Conditions:
RYR1-related disorder. Also called: RYR1-related disorders; RYR1-related condition. Identifiers: MedGen CN239331.
King Denborough syndrome (KDS). Identifiers: MedGen C1840365, MONDO:0020485, OMIM 619542.
Central core myopathy (CMYO1A). Also called: CONGENITAL MYOPATHY 1A, AUTOSOMAL DOMINANT, WITH SUSCEPTIBILITY TO MALIGNANT HYPERTHERMIA; Central core disease; Myopathy, central fibrillar. Identifiers: Orphanet 597, MedGen C5830701, MONDO:0007294, OMIM 117000.
Malignant hyperthermia, susceptibility to, 1 (MHS1). Also called: Anesthesia related hyperthermia; Malignant hyperpyrexia; Fulminating hyperpyrexia; Pharmacogenic myopathy; RYR1-Related Malignant Hyperthermia Susceptibility; Malignant hyperthermia suceptibility 1. Identifiers: Orphanet 423, MedGen C2930980, MONDO:0007783, OMIM 145600.
Congenital multicore myopathy with external ophthalmoplegia (CMYO1B). Also called: Minicore myopathy with external ophthalmoplegia; MULTIMINICORE DISEASE WITH EXTERNAL OPHTHALMOPLEGIA; MULTICORE MYOPATHY; Congenital myopathy 1B, autosomal recessive; Minicore myopathy. Identifiers: Orphanet 598, Orphanet 98905, MedGen C1850674, MONDO:0009712, OMIM 255320, HP:0003789.
Congenital myopathy with fiber type disproportion. Also called: Congenital fiber-type disproportion; Congenital fiber-type disproportion myopathy. Identifiers: Orphanet 2020, MedGen C0546264, MONDO:0009711. Inheritance: all.

Allele frequency attached by ClinVar (database versions not stated): TOPMed 0.00217; ExAC 0.00335; gnomAD exomes 0.00385; 1000 Genomes Project 30x 0.00781; 1000 Genomes Project 0.00799; ESP Exome Variant Server 0.00008; gnomAD 0.00140 and 0.00178.
gnomAD v4.1: 2,023 of 1,612,862 alleles (0.13%); highest among the groups gnomAD compares: East Asian, 3.6%; 38 homozygotes.

Submissions (11):

Labcorp Genetics (formerly Invitae), Labcorp
Classification: Benign for RYR1-related disorder. Last evaluated: 2026-02-03. Review status: criteria provided, single submitter. Criteria: Invitae Variant Classification Sherloc (09022015). Collection method: clinical testing. Allele origin: germline.

ARUP Laboratories, Molecular Genetics and Genomics, ARUP Laboratories
Classification: Benign. Last evaluated: 2024-08-12. Review status: criteria provided, single submitter. Criteria: ARUP Molecular Germline Variant Investigation Process 2024. Collection method: clinical testing. Allele origin: germline.

Athena Diagnostics
Classification: Benign. Last evaluated: 2024-07-17. Review status: criteria provided, single submitter. Criteria: Athena Diagnostics Criteria. Collection method: clinical testing. Allele origin: unknown.

Fulgent Genetics
Classification: Likely benign for Central core myopathy; Malignant hyperthermia, susceptibility to, 1; Congenital myopathy 4A, autosomal dominant; Congenital multicore myopathy with external ophthalmoplegia; King Denborough syndrome. Last evaluated: 2021-11-04. Review status: criteria provided, single submitter. Criteria: ACMG Guidelines, 2015. Collection method: clinical testing. Allele origin: unknown.

Illumina Laboratory Services, Illumina
Classification: Benign for Central core myopathy. Last evaluated: 2018-01-13. Review status: criteria provided, single submitter. Criteria: ICSL Variant Classification Criteria 13 December 2019. Collection method: clinical testing. Allele origin: germline.
Comment: This variant was observed in the ICSL laboratory as part of a predisposition screen in an ostensibly healthy population. It had not been previously curated by ICSL or reported in the Human Gene Mutation Database (HGMD: prior to June 1st, 2018), and was therefore a candidate for classification through an automated scoring system. Utilizing variant allele frequency, disease prevalence and penetrance estimates, and inheritance mode, an automated score was calculated to assess if this variant is too frequent to cause the disease. Based on the score and internal cut-off values, a variant classified as benign is not then subjected to further curation. The score for this variant resulted in a classification of benign for this disease.

Illumina Laboratory Services, Illumina
Classification: Benign for Malignant hyperthermia, susceptibility to, 1. Last evaluated: 2018-01-13. Review status: criteria provided, single submitter. Criteria: ICSL Variant Classification Criteria 13 December 2019. Collection method: clinical testing. Allele origin: germline.
Comment: the same text as in the submission from Illumina Laboratory Services, Illumina above.

Illumina Laboratory Services, Illumina
Classification: Benign for Congenital multicore myopathy with external ophthalmoplegia. Last evaluated: 2018-01-13. Review status: criteria provided, single submitter. Criteria: ICSL Variant Classification Criteria 13 December 2019. Collection method: clinical testing. Allele origin: germline.
Comment: the same text as in the submission from Illumina Laboratory Services, Illumina above.

PreventionGenetics, part of Exact Sciences
Classification: Benign. Last evaluated: 2017-09-25. Review status: criteria provided, single submitter. Criteria: ACMG Guidelines, 2015. Collection method: clinical testing. Allele origin: germline.

GeneDx
Classification: Benign. Last evaluated: 2016-10-21. Review status: criteria provided, single submitter. Criteria: GeneDx Variant Classification (06012015). Collection method: clinical testing. Allele origin: germline. Affected: yes.
Comment: This variant is considered likely benign or benign based on one or more of the following criteria: it is a conservative change, it occurs at a poorly conserved position in the protein, it is predicted to be benign by multiple in silico algorithms, and/or has population frequency not consistent with disease.

Eurofins Ntd Llc (ga)
Classification: Benign. Last evaluated: 2014-11-10. Review status: criteria provided, single submitter. Criteria: EGL Classification Definitions 2015. Collection method: clinical testing. Allele origin: germline. Observed: 3 variant alleles, 3 heterozygotes.

Genetic Services Laboratory, University of Chicago
Classification: Benign. Last evaluated: 2013-02-08. Review status: criteria provided, single submitter. Criteria: ACMG Guidelines, 2007. Collection method: clinical testing. Allele origin: germline. Inheritance: Autosomal unknown.